The following is an entry in ClinVar:

ClinVar aggregate classification (germline): Uncertain significance (1 of 4 stars; one submission).

Conditions:
Inborn genetic diseases. Identifiers: MedGen C0950123, MeSH D030342.

gnomAD v4.1: 3 of 1,614,050 alleles (0.00019%); highest among the groups gnomAD compares: Non-Finnish European, 0.00025%; no homozygotes.

Submission:

Ambry Genetics
Classification: Uncertain significance for Inborn genetic diseases. Last evaluated: 2026-05-24. Review status: criteria provided, single submitter. Criteria: Ambry Variant Classification Scheme 2023. Collection method: clinical testing. Allele origin: germline.
Comment: The p.G247D variant (also known as c.740G>A), located in coding exon 6 of the BUB1B gene, results from a G to A substitution at nucleotide position 740. The glycine at codon 247 is replaced by aspartic acid, an amino acid with similar properties. This amino acid position is conserved. In addition, this alteration is predicted to be tolerated by in silico analysis. Based on the available evidence, the clinical significance of this variant remains unclear.

NM_001211.6(BUB1B):c.740G>A (p.Gly247Asp)

Gene: BUB1B (BUB1 mitotic checkpoint serine/threonine kinase B; plus strand). Cytogenetic location: 15q15.1.
Variant type: single nucleotide variant.
Coding change: c.740G>A on transcript NM_001211.6 (MANE Select); coding-DNA position 740, G replaced by A.
Protein change: p.Gly247Asp; replaces glycine 247 with aspartic acid.
Molecular consequence: missense variant.
Genome position (GRCh38, 1-based): chr15:40,183,872, G>A. VCF-style: chr15-40183872-G-A. GRCh37 (hg19) VCF-style: chr15-40476073-G-A.
Other names: short protein forms G247D.
Identifiers: ClinVar variation 4868012 (VCV004868012.1).